The following is an entry in ClinVar:

NM_014159.7(SETD2):c.4121G>A (p.Ser1374Asn)

Gene: SETD2 (SET domain containing 2, histone lysine methyltransferase; minus strand). Cytogenetic location: 3p21.31.
Variant type: single nucleotide variant.
Coding change: c.4121G>A on transcript NM_014159.7 (MANE Select); coding-DNA position 4121, G replaced by A.
Protein change: p.Ser1374Asn; replaces serine 1374 with asparagine.
Molecular consequence: missense variant. On other transcripts: non-coding transcript variant (1).
Genome position (GRCh38, 1-based): chr3:47,120,515, C>T on the plus strand (G>A on the coding strand, the complement: SETD2 is on the minus strand). VCF-style: chr3-47120515-C-T. GRCh37 (hg19) VCF-style: chr3-47162005-C-T.
Other names: c.3989G>A, p.Ser1330Asn (NM_001349370.3); short protein forms S1374N, S1330N.
Identifiers: ClinVar variation 542218 (VCV000542218.6), dbSNP rs762222123, ClinGen allele CA2363259.

ClinVar aggregate classification (germline): Uncertain significance (1 of 4 stars; one submission).

Conditions:
Luscan-Lumish syndrome. Identifiers: Orphanet 597738, MedGen C4085873, MONDO:0014791, OMIM 616831.

Allele frequency attached by ClinVar (database versions not stated): gnomAD exomes below 0.00001 and 0.00001; ExAC 0.00002.
gnomAD v4.1: 6 of 1,613,832 alleles (0.00037%); highest among the groups gnomAD compares: African/African-American, 0.0027%; no homozygotes.

Submission:

Labcorp Genetics (formerly Invitae), Labcorp
Classification: Uncertain significance for Luscan-Lumish syndrome. Last evaluated: 2018-10-31. Review status: criteria provided, single submitter. Criteria: Invitae Variant Classification Sherloc (09022015). Collection method: clinical testing. Allele origin: germline.
Comment: This sequence change replaces serine with asparagine at codon 1374 of the SETD2 protein (p.Ser1374Asn). The serine residue is highly conserved and there is a small physicochemical difference between serine and asparagine. In summary, the available evidence is currently insufficient to determine the role of this variant in disease. Therefore, it has been classified as a Variant of Uncertain Significance. Algorithms developed to predict the effect of missense changes on protein structure and function do not agree on the potential impact of this missense change (SIFT: "Deleterious"; PolyPhen-2: "Probably Damaging"; Align-GVGD: "Class C0"). This variant has not been reported in the literature in individuals with SETD2-related disease. This variant is present in population databases (rs762222123, ExAC 0.01%).